The following is an entry in ClinVar:

NM_005120.3(MED12):c.4048-3C>T

Gene: MED12 (mediator complex subunit 12; plus strand). Cytogenetic location: Xq13.1.
Variant type: single nucleotide variant.
Coding change: c.4048-3C>T on transcript NM_005120.3 (MANE Select); 3 bases into the intron before coding-DNA position 4048, C replaced by T.
Molecular consequence: intron variant.
Genome position (GRCh38, 1-based): chrX:71,131,547, C>T. VCF-style: chrX-71131547-C-T. GRCh37 (hg19) VCF-style: chrX-70351397-C-T.
Identifiers: ClinVar variation 1737328 (VCV001737328.7), dbSNP rs1248815559, ClinGen allele CA641917625.

ClinVar aggregate classification (germline): Uncertain significance. Review status: criteria provided, multiple submitters, no conflicts (2 of 4 stars). 2 submissions from 2 submitters: Uncertain significance (2). Last evaluated 2026-05-11.

Conditions:
FG syndrome (FGS). Identifiers: MedGen C0220769, MONDO:0002010.
Familial thoracic aortic aneurysm and aortic dissection (TAAD). Also called: Thoracic aortic aneurysms and dissections. Identifiers: Orphanet 91387, MedGen C4707243, MONDO:0019625.

Allele frequency attached by ClinVar (database versions not stated): TOPMed 0.00001; gnomAD exomes below 0.00001; gnomAD 0.00001.
gnomAD v4.1: 2 of 1,208,322 alleles (0.00017%); highest among the groups gnomAD compares: Admixed American, 0.0044%; no homozygotes.

Submissions (2):

Ambry Genetics
Classification: Uncertain significance for Familial thoracic aortic aneurysm and aortic dissection. Last evaluated: 2026-05-11. Review status: criteria provided, single submitter. Criteria: Ambry Variant Classification Scheme 2023. Collection method: clinical testing. Allele origin: germline.
Comment: The c.4048-3C>T intronic variant results from a C to T substitution 3 nucleotides upstream from coding exon 29 in the MED12 gene. This nucleotide position is well conserved in available vertebrate species. In silico splice site analysis predicts that this alteration will not have any significant effect on splicing. Based on data from gnomAD, the T allele has an overall frequency of 0.0006% (1/181658) total alleles studied, with no hemizygote(s) observed. The highest observed frequency was 0.0037% (1/27375) of Admixed American alleles. Based on the available evidence, the clinical significance of this variant remains unclear.

Labcorp Genetics (formerly Invitae), Labcorp
Classification: Uncertain significance for FG syndrome. Last evaluated: 2024-06-26. Review status: criteria provided, single submitter. Criteria: Invitae Variant Classification Sherloc (09022015). Collection method: clinical testing. Allele origin: germline.
Comment: This sequence change falls in intron 28 of the MED12 gene. It does not directly change the encoded amino acid sequence of the MED12 protein. It affects a nucleotide within the consensus splice site. This variant is present in population databases (no rsID available, gnomAD 0.004%). This variant has not been reported in the literature in individuals affected with MED12-related conditions. ClinVar contains an entry for this variant (Variation ID: 1737328). Variants that disrupt the consensus splice site are a relatively common cause of aberrant splicing (PMID: 17576681, 9536098). Algorithms developed to predict the effect of sequence changes on RNA splicing suggest that this variant is not likely to affect RNA splicing. In summary, the available evidence is currently insufficient to determine the role of this variant in disease. Therefore, it has been classified as a Variant of Uncertain Significance.

Literature cited by the submitters: PubMed 17576681 (cited by Labcorp Genetics (formerly Invitae), Labcorp); PubMed 9536098 (cited by Labcorp Genetics (formerly Invitae), Labcorp).